The following is an entry in ClinVar:

ClinVar aggregate classification (germline): Likely pathogenic (1 of 4 stars; one submission).

Conditions:
Intellectual developmental disorder, autosomal dominant 47. Also called: MENTAL RETARDATION, AUTOSOMAL DOMINANT 47; Intellectual disability, autosomal dominant 47. Identifiers: Orphanet 502434, MedGen C4539951, MONDO:0030912, OMIM 617635.

Submission:

3billion
Classification: Likely pathogenic for Intellectual developmental disorder, autosomal dominant 47. Last evaluated: 2024-12-11. Review status: criteria provided, single submitter. Criteria: ACMG Guidelines, 2015. Collection method: clinical testing. Allele origin: germline. Affected: yes.
Comment: The variant is not observed in the gnomAD v4.1.0 dataset. Predicted Consequence/Location: Frameshift: predicted to result in a loss or disruption of normal protein function through nonsense-mediated decay (NMD) or protein truncation. Multiple pathogenic variants are reported downstream of the variant. Therefore, this variant is classified as Likely pathogenic according to the recommendation of ACMG/AMP guideline.

NM_005862.3(STAG1):c.1574_1575dup (p.Ile526fs)

Gene: STAG1 (STAG1 cohesin complex component; minus strand). Cytogenetic location: 3q22.3.
Variant type: Duplication.
Coding change: c.1574_1575dup on transcript NM_005862.3 (MANE Select); coding-DNA positions 1574 to 1575, 2 bases duplicated (TT; older notation c.1574_1575dupTT).
Protein change: p.Ile526fs; shifts the reading frame from isoleucine 526.
Molecular consequence: frameshift variant.
Genome position (GRCh38, 1-based): chr3:136,433,631-136,433,632, AA duplicated on the plus strand (TT on the coding strand, the reverse complement: STAG1 is on the minus strand). VCF-style (leftmost placement, unchanged base first): chr3-136433630-T-TAA. GRCh37 (hg19) VCF-style: chr3-136152472-T-TAA.
Other names: short protein forms I526fs.
Identifiers: ClinVar variation 4294021 (VCV004294021.1).